The following is an entry in ClinVar:

ClinVar aggregate classification (germline): Pathogenic. Review status: criteria provided, multiple submitters, no conflicts (2 of 4 stars). 2 submissions from 2 submitters: Pathogenic (2). Last evaluated 2023-10-19.

Conditions:
Familial adenomatous polyposis 1 (FAP1). Also called: POLYPOSIS, ADENOMATOUS INTESTINAL; FAMILIAL ADENOMATOUS POLYPOSIS 1, ATTENUATED. Identifiers: MedGen C2713442, MONDO:0021056, OMIM 175100. Disease mechanism: loss of function.

Submissions (2):

GeneDx
Classification: Pathogenic. Last evaluated: 2023-10-19. Review status: criteria provided, single submitter. Criteria: GeneDx Variant Classification Process June 2021. Collection method: clinical testing. Allele origin: germline. Affected: yes.
Comment: Nonsense variant predicted to result in protein truncation in a gene for which loss of function is a known mechanism of disease; Not observed at significant frequency in large population cohorts (gnomAD); This variant is associated with the following publications: (PMID: 37795928, 8381579, 9824584, 1316610, 15311282, 22135120, 17293347, 27081525, 12010888)

Labcorp Genetics (formerly Invitae), Labcorp
Classification: Pathogenic for Familial adenomatous polyposis 1. Last evaluated: 2018-02-24. Review status: criteria provided, single submitter. Criteria: Invitae Variant Classification Sherloc (09022015). Collection method: clinical testing. Allele origin: germline.
Comment: This sequence change results in a premature translational stop signal in the APC gene (p.Glu892*). While this is not anticipated to result in nonsense mediated decay, it is expected to delete the last 1952 amino acids of the APC protein. This variant has been reported in a family affected with familial adenomatous polyposis (PMID: 12010888). For these reasons, this variant has been classified as Pathogenic. This variant is not present in population databases (ExAC no frequency). This variant removes the basic domain, the EB1 binding site, and the HDLG binding site, which mediate interactions with the cytoskeleton (PMID: 15311282, 17293347). Other truncations downstream of this variant, p.Tyr932*, p.Tyr935*, and p.Gln1062*, have been reported in individuals affected with familial adenomatous polypsis (PMID: 1338764, 20685668, 10090483, 1316610, 8162022). While functional studies have not been performed to directly test the effect of this variant on APC protein function, these observations suggest that deletion of the C-terminal portion of the APC protein is causative of disease.

Literature cited by the submitters: PubMed 12010888 (cited by Labcorp Genetics (formerly Invitae), Labcorp); PubMed 15311282 (cited by Labcorp Genetics (formerly Invitae), Labcorp); PubMed 17293347 (cited by Labcorp Genetics (formerly Invitae), Labcorp); PubMed 1338764 (cited by Labcorp Genetics (formerly Invitae), Labcorp); PubMed 20685668 (cited by Labcorp Genetics (formerly Invitae), Labcorp); PubMed 10090483 (cited by Labcorp Genetics (formerly Invitae), Labcorp); PubMed 1316610 (cited by Labcorp Genetics (formerly Invitae), Labcorp); PubMed 8162022 (cited by Labcorp Genetics (formerly Invitae), Labcorp).

NM_000038.6(APC):c.2674G>T (p.Glu892Ter)

Gene: APC (APC regulator of Wnt signaling pathway; plus strand). Cytogenetic location: 5q22.2.
Variant type: single nucleotide variant.
Coding change: c.2674G>T on transcript NM_000038.6 (MANE Select); coding-DNA position 2674, G replaced by T.
Protein change: p.Glu892Ter; replaces glutamic acid 892 with a stop codon.
Molecular consequence: nonsense.
Genome position (GRCh38, 1-based): chr5:112,838,268, G>T. VCF-style: chr5-112838268-G-T. GRCh37 (hg19) VCF-style: chr5-112173965-G-T.
Other names: c.2401G>T, p.Glu801Ter (NM_001354902.2); c.2371G>T, p.Glu791Ter (NM_001354903.2); c.2296G>T, p.Glu766Ter (NM_001354904.2); c.2194G>T, p.Glu732Ter (NM_001354905.2); c.1825G>T, p.Glu609Ter (NM_001354906.2); c.2674G>T, p.Glu892Ter (NM_001127510.3, NM_001354895.2); c.2620G>T, p.Glu874Ter (NM_001127511.3); c.2728G>T, p.Glu910Ter (NM_001354896.2); and 5 more; short protein forms E874*, E892*, E801*, E864*, E867*, E902*, E766*, E791*.
Identifiers: ClinVar variation 577670 (VCV000577670.11), dbSNP rs1561578889, ClinGen allele CA16027170.
Genomic context (GRCh38, chr5:112,838,268, plus strand): 5'-ACTTCTTCAAAGCGAGGTTTGCAGATCTCCACCACTGCAGCCCAGATTGCCAAAGTCATG[G>T]AAGAAGTGTCAGCCATTCATACCTCTCAGGAAGACAGAAGTTCTGGGTCTACCACTGAAT-3'